The following is an entry in ClinVar:

ClinVar aggregate classification (germline): Conflicting classifications of pathogenicity. Review status: criteria provided, conflicting classifications (1 of 4 stars). 2 submissions from 2 submitters: Uncertain significance (1); Likely benign (1). Last evaluated 2025-08-18.

Conditions:
Hereditary cancer-predisposing syndrome. Also called: Tumor predisposition; Hereditary neoplastic syndrome; Neoplastic Syndromes, Hereditary; Hereditary Cancer Syndrome. Identifiers: Orphanet 140162, MedGen C0027672, MeSH D009386, MONDO:0015356.
Parathyroid carcinoma (PRTC). Also called: Parathyroid gland carcinoma; CDC73-Related Parathyroid Carcinoma. Identifiers: Orphanet 143, MedGen C0687150, MONDO:0012004, OMIM 608266, HP:0006780.

Allele frequency attached by ClinVar (database versions not stated): gnomAD 0.00001.
gnomAD v4.1: 2 of 1,611,926 alleles (0.00012%); highest among the groups gnomAD compares: Non-Finnish European, 0.00017%; no homozygotes.

Submissions (2):

Labcorp Genetics (formerly Invitae), Labcorp
Classification: Likely benign for Parathyroid carcinoma. Last evaluated: 2025-08-18. Review status: criteria provided, single submitter. Criteria: Invitae Variant Classification Sherloc (09022015). Collection method: clinical testing. Allele origin: germline.

Ambry Genetics
Classification: Uncertain significance for Hereditary cancer-predisposing syndrome. Last evaluated: 2025-07-11. Review status: criteria provided, single submitter. Criteria: Ambry Variant Classification Scheme 2023. Collection method: clinical testing. Allele origin: germline.
Comment: The c.1559+4A>G intronic variant results from an A to G substitution 4 nucleotides after coding exon 16 in the CDC73 gene. This nucleotide position is well conserved in available vertebrate species. In silico splice site analysis predicts that this alteration will not have any significant effect on splicing. Based on the available evidence, the clinical significance of this variant remains unclear.

NM_024529.5(CDC73):c.1559+4A>G

Gene: CDC73 (cell division cycle 73; plus strand). Cytogenetic location: 1q31.2.
Variant type: single nucleotide variant.
Coding change: c.1559+4A>G on transcript NM_024529.5 (MANE Select); 4 bases into the intron after coding-DNA position 1559, A replaced by G.
Molecular consequence: intron variant.
Genome position (GRCh38, 1-based): chr1:193,249,875, A>G. VCF-style: chr1-193249875-A-G. GRCh37 (hg19) VCF-style: chr1-193219005-A-G.
Identifiers: ClinVar variation 846305 (VCV000846305.9), dbSNP rs1001095861, ClinGen allele CA35103406.